The following is an entry in ClinVar:

NM_001572.5(IRF7):c.1221_1222del (p.Phe407fs)

Gene: IRF7 (interferon regulatory factor 7; minus strand). Cytogenetic location: 11p15.5.
Variant type: Deletion.
Coding change: c.1221_1222del on transcript NM_001572.5 (MANE Select); coding-DNA positions 1221 to 1222, 2 bases deleted (CA; older notation c.1221_1222delCA).
Protein change: p.Phe407fs; shifts the reading frame from phenylalanine 407.
Molecular consequence: frameshift variant.
Genome position (GRCh38, 1-based): chr11:613,221-613,222, TG deleted on the plus strand (CA on the coding strand, the reverse complement: IRF7 is on the minus strand). VCF-style (leftmost placement, unchanged base first): chr11-613220-CTG-C. GRCh37 (hg19) VCF-style: chr11-613220-CTG-C.
Other names: c.1134_1135del, p.Phe378fs (NM_004029.4); c.1260_1261del, p.Phe420fs (NM_004031.4); short protein forms F378fs, F407fs, F420fs.
Identifiers: ClinVar variation 1007718 (VCV001007718.6), dbSNP rs1277018042, ClinGen allele CA597020116.

ClinVar aggregate classification (germline): Uncertain significance (1 of 4 stars; one submission).

Conditions:
Immunodeficiency 39 (IMD39). Identifiers: Orphanet 574918, MedGen C4225358, MONDO:0014597, OMIM 616345.

Allele frequency attached by ClinVar (database versions not stated): gnomAD exomes below 0.00001 and 0.00002; gnomAD 0.00001.

Submission:

Labcorp Genetics (formerly Invitae), Labcorp
Classification: Uncertain significance for Immunodeficiency 39. Last evaluated: 2021-08-08. Review status: criteria provided, single submitter. Criteria: Invitae Variant Classification Sherloc (09022015). Collection method: clinical testing. Allele origin: germline.
Comment: In summary, the available evidence is currently insufficient to determine the role of this variant in disease. Therefore, it has been classified as a Variant of Uncertain Significance. Experimental studies and prediction algorithms are not available or were not evaluated, and the functional significance of this variant is currently unknown. This variant has not been reported in the literature in individuals with IRF7-related conditions. This variant is not present in population databases (ExAC no frequency). This sequence change results in a premature translational stop signal in the IRF7 gene (p.Phe420Leufs*61). While this is not anticipated to result in nonsense mediated decay, it is expected to disrupt the last 97 amino acids of the IRF7 protein.